The following is an entry in ClinVar:

ClinVar aggregate classification (germline): Likely pathogenic. Review status: criteria provided, multiple submitters, no conflicts (2 of 4 stars). 3 submissions from 3 submitters: Likely pathogenic (3). Last evaluated 2025-11-14.

Conditions:
Hereditary cancer-predisposing syndrome. Also called: Tumor predisposition; Hereditary Cancer Syndrome; Neoplastic Syndromes, Hereditary; Hereditary neoplastic syndrome. Identifiers: Orphanet 140162, MedGen C0027672, MeSH D009386, MONDO:0015356.
Fanconi anemia complementation group O. Also called: RAD51C-Related Fanconi Anemia. Identifiers: Orphanet 84, MedGen C3150653, MONDO:0013248, OMIM 613390.

Allele frequency attached by ClinVar (database versions not stated): TOPMed below 0.00001.

Submissions (3):

Ambry Genetics
Classification: Likely pathogenic for Hereditary cancer-predisposing syndrome. Last evaluated: 2025-11-14. Review status: criteria provided, single submitter. Criteria: Ambry Variant Classification Scheme 2023. Collection method: clinical testing. Allele origin: germline.
Comment: The c.146-1G>A intronic variant results from a G to A substitution one nucleotide upstream from coding exon 2 of the RAD51C gene. This variant is considered to be rare based on population cohorts in the Genome Aggregation Database (gnomAD). This nucleotide position is highly conserved in available vertebrate species. In silico splice site analysis predicts that this alteration will weaken the native splice acceptor site. Alterations that disrupt the canonical splice site are expected to cause aberrant splicing, resulting in an abnormal protein or a transcript that is subject to nonsense-mediated mRNA decay. As such, this alteration is classified as likely pathogenic.

Labcorp Genetics (formerly Invitae), Labcorp
Classification: Likely pathogenic for Fanconi anemia complementation group O. Last evaluated: 2025-09-04. Review status: criteria provided, single submitter. Criteria: Invitae Variant Classification Sherloc (09022015). Collection method: clinical testing. Allele origin: germline.
Comment: This sequence change affects an acceptor splice site in intron 1 of the RAD51C gene. RNA analysis indicates that disruption of this splice site induces altered splicing and may result in an absent or altered protein product. This variant is not present in population databases (gnomAD no frequency). This variant has not been reported in the literature in individuals affected with RAD51C-related conditions. ClinVar contains an entry for this variant (Variation ID: 449772). Studies have shown that disruption of this splice site results in skipping of exon 2, and produces a non-functional protein and/or introduces a premature termination codon (internal data). In summary, the currently available evidence indicates that the variant is pathogenic, but additional data are needed to prove that conclusively. Therefore, this variant has been classified as Likely Pathogenic.

GeneDx
Classification: Likely pathogenic. Last evaluated: 2017-07-19. Review status: criteria provided, single submitter. Criteria: GeneDx Variant Classification (06012015). Collection method: clinical testing. Allele origin: germline. Affected: yes.
Comment: This variant is denoted RAD51C c.146-1G>A or IVS1-1G>A and consists of a G>A nucleotidesubstitution at the -1 position of intron 1 of the RAD51C gene. This variant destroys a canonical splice acceptor siteand is predicted to cause abnormal gene splicing, leading to either an abnormal message that is subject to nonsense-mediated mRNA decay or to an abnormal protein product. This variant has not, to our knowledge, been published inthe literature. Based on the currently available information, we consider RAD51C c.146-1G>A to be a likely pathogenicvariant.

NM_058216.3(RAD51C):c.146-1G>A

Gene: RAD51C (RAD51 paralog C; plus strand). Cytogenetic location: 17q22.
Variant type: single nucleotide variant.
Coding change: c.146-1G>A on transcript NM_058216.3 (MANE Select); the canonical splice acceptor site of the intron before coding-DNA position 146, G replaced by A.
Molecular consequence: splice acceptor variant.
Genome position (GRCh38, 1-based): chr17:58,694,930, G>A. VCF-style: chr17-58694930-G-A. GRCh37 (hg19) VCF-style: chr17-56772291-G-A.
Other names: c.146-1G>A (NM_002876.4).
Identifiers: ClinVar variation 449772 (VCV000449772.4), dbSNP rs1555593458, ClinGen allele CA400339486.